The following is an entry in ClinVar:

NM_001197104.2(KMT2A):c.1042G>T (p.Val348Phe)

Gene: KMT2A (lysine methyltransferase 2A; plus strand). Cytogenetic location: 11q23.3.
Variant type: single nucleotide variant.
Coding change: c.1042G>T on transcript NM_001197104.2 (MANE Select); coding-DNA position 1042, G replaced by T.
Protein change: p.Val348Phe; replaces valine 348 with phenylalanine.
Molecular consequence: missense variant.
Genome position (GRCh38, 1-based): chr11:118,472,201, G>T. VCF-style: chr11-118472201-G-T. GRCh37 (hg19) VCF-style: chr11-118342916-G-T.
Other names: c.1141G>T, p.Val381Phe (NM_001412597.1); c.1042G>T, p.Val348Phe (NM_005933.4); short protein forms V348F, V381F.
Identifiers: ClinVar variation 2506694 (VCV002506694.1), dbSNP rs2496795583, ClinGen allele CA382808967.

ClinVar aggregate classification (germline): Uncertain significance (1 of 4 stars; one submission).

Submission:

GeneDx
Classification: Uncertain significance. Last evaluated: 2022-12-21. Review status: criteria provided, single submitter. Criteria: GeneDx Variant Classification Process June 2021. Collection method: clinical testing. Allele origin: germline. Affected: yes.
Comment: Not observed at significant frequency in large population cohorts (gnomAD); In silico analysis supports that this missense variant does not alter protein structure/function; Has not been previously published as pathogenic or benign to our knowledge